The following is an entry in ClinVar:

ClinVar aggregate classification (germline): Uncertain significance (1 of 4 stars; one submission).

Submission:

Labcorp Genetics (formerly Invitae), Labcorp
Classification: Uncertain significance. Last evaluated: 2022-03-22. Review status: criteria provided, single submitter. Criteria: Invitae Variant Classification Sherloc (09022015). Collection method: clinical testing. Allele origin: germline.
Comment: In summary, the available evidence is currently insufficient to determine the role of this variant in disease. Therefore, it has been classified as a Variant of Uncertain Significance. Algorithms developed to predict the effect of missense changes on protein structure and function are either unavailable or do not agree on the potential impact of this missense change (SIFT: "Tolerated"; PolyPhen-2: "Probably Damaging"; Align-GVGD: "Class C0"). This variant has not been reported in the literature in individuals affected with LETM1-related conditions. This variant is not present in population databases (gnomAD no frequency). This sequence change replaces asparagine, which is neutral and polar, with aspartic acid, which is acidic and polar, at codon 320 of the LETM1 protein (p.Asn320Asp).

NM_012318.3(LETM1):c.958A>G (p.Asn320Asp)

Gene: LETM1 (leucine zipper and EF-hand containing transmembrane protein 1; minus strand). Cytogenetic location: 4p16.3.
Variant type: single nucleotide variant.
Coding change: c.958A>G on transcript NM_012318.3 (MANE Select); coding-DNA position 958, A replaced by G.
Protein change: p.Asn320Asp; replaces asparagine 320 with aspartic acid.
Molecular consequence: missense variant.
Genome position (GRCh38, 1-based): chr4:1,832,866, T>C on the plus strand (A>G on the coding strand, the complement: LETM1 is on the minus strand). VCF-style: chr4-1832866-T-C. GRCh37 (hg19) VCF-style: chr4-1834593-T-C.
Other names: short protein forms N320D.
Identifiers: ClinVar variation 1439618 (VCV001439618.6), dbSNP rs2108846343, ClinGen allele CA356003822.